The following is an entry in ClinVar:

NM_000465.4(BARD1):c.1735dup (p.Ser579fs)

Gene: BARD1 (BRCA1 associated RING domain 1; minus strand). Cytogenetic location: 2q35.
Variant type: Duplication.
Coding change: c.1735dup on transcript NM_000465.4 (MANE Select); coding-DNA position 1735, one base duplicated (T; older notation c.1735dupT).
Protein change: p.Ser579fs; shifts the reading frame from serine 579.
Molecular consequence: frameshift variant. On other transcripts: non-coding transcript variant (3), intron variant (1).
Genome position (GRCh38, 1-based): chr2:214,745,797, A duplicated on the plus strand (T on the coding strand, the reverse complement: BARD1 is on the minus strand); the first of 2 consecutive A bases (chr2:214,745,797-214,745,798); duplicating either gives the same sequence. VCF-style (leftmost placement, unchanged base first): chr2-214745796-G-GA. GRCh37 (hg19) VCF-style: chr2-215610520-G-GA.
Other names: c.1678dup, p.Ser560fs (NM_001282543.2); c.382dup, p.Ser128fs (NM_001282545.2); c.325dup, p.Ser109fs (NM_001282548.2); c.365-15289dup (NM_001282549.2); short protein forms S109fs, S128fs, S560fs, S579fs.
Identifiers: ClinVar variation 2028508 (VCV002028508.5), dbSNP rs2469342952, ClinGen allele CA2580065618.

ClinVar aggregate classification (germline): Pathogenic/Likely pathogenic. Review status: criteria provided, multiple submitters, no conflicts (2 of 4 stars). 2 submissions from 2 submitters: Pathogenic (1); Likely pathogenic (1). Last evaluated 2023-03-22.

Conditions:
Familial cancer of breast. Also called: hereditary breast carcinoma; BREAST CANCER, FAMILIAL; Hereditary breast cancer. Identifiers: Orphanet 227535, MedGen C0346153, MONDO:0016419, OMIM 114480. Disease mechanism: loss of function.

Submissions (2):

Baylor Genetics
Classification: Likely pathogenic for Familial cancer of breast. Last evaluated: 2023-03-22. Review status: criteria provided, single submitter. Criteria: ACMG Guidelines, 2015. Collection method: clinical testing. Allele origin: unknown.

Labcorp Genetics (formerly Invitae), Labcorp
Classification: Pathogenic for Familial cancer of breast. Last evaluated: 2022-09-01. Review status: criteria provided, single submitter. Criteria: Invitae Variant Classification Sherloc (09022015). Collection method: clinical testing. Allele origin: germline.
Comment: For these reasons, this variant has been classified as Pathogenic. This variant has not been reported in the literature in individuals affected with BARD1-related conditions. This variant is not present in population databases (gnomAD no frequency). This sequence change creates a premature translational stop signal (p.Ser579Phefs*9) in the BARD1 gene. It is expected to result in an absent or disrupted protein product. Loss-of-function variants in BARD1 are known to be pathogenic (PMID: 20077502, 21344236).

Literature cited by the submitters: PubMed 20077502 (cited by Labcorp Genetics (formerly Invitae), Labcorp); PubMed 21344236 (cited by Labcorp Genetics (formerly Invitae), Labcorp).